The following is an entry in ClinVar:

ClinVar aggregate classification (germline): Uncertain significance. Review status: criteria provided, multiple submitters, no conflicts (2 of 4 stars). 2 submissions from 2 submitters: Uncertain significance (2). Last evaluated 2023-05-15.

Allele frequency attached by ClinVar (database versions not stated): gnomAD exomes below 0.00001.
gnomAD v4.1: 1 of 1,613,870 alleles (0.000062%); highest among the groups gnomAD compares: Non-Finnish European, 0.000085%; no homozygotes.

Submissions (2):

Labcorp Genetics (formerly Invitae), Labcorp
Classification: Uncertain significance. Last evaluated: 2023-05-15. Review status: criteria provided, single submitter. Criteria: Invitae Variant Classification Sherloc (09022015). Collection method: clinical testing. Allele origin: germline.
Comment: In summary, the available evidence is currently insufficient to determine the role of this variant in disease. Therefore, it has been classified as a Variant of Uncertain Significance. Advanced modeling of protein sequence and biophysical properties (such as structural, functional, and spatial information, amino acid conservation, physicochemical variation, residue mobility, and thermodynamic stability) has been performed at Invitae for this missense variant, however the output from this modeling did not meet the statistical confidence thresholds required to predict the impact of this variant on USH2A protein function. ClinVar contains an entry for this variant (Variation ID: 2135010). This missense change has been observed in individual(s) with retinitis pigmentosa (Invitae). This variant is not present in population databases (gnomAD no frequency). This sequence change replaces cysteine, which is neutral and slightly polar, with arginine, which is basic and polar, at codon 79 of the USH2A protein (p.Cys79Arg).

Blueprint Genetics
Classification: Uncertain significance. Last evaluated: 2021-03-10. Review status: criteria provided, single submitter. Criteria: ACMG Guidelines, 2015. Collection method: clinical testing. Allele origin: germline.

NM_206933.4(USH2A):c.235T>C (p.Cys79Arg)

Gene: USH2A (usherin; minus strand). Cytogenetic location: 1q41.
Variant type: single nucleotide variant.
Coding change: c.235T>C on transcript NM_206933.4 (MANE Select); coding-DNA position 235, T replaced by C.
Protein change: p.Cys79Arg; replaces cysteine 79 with arginine.
Molecular consequence: missense variant.
Genome position (GRCh38, 1-based): chr1:216,422,102, A>G on the plus strand (T>C on the coding strand, the complement: USH2A is on the minus strand). VCF-style: chr1-216422102-A-G. GRCh37 (hg19) VCF-style: chr1-216595444-A-G.
Other names: c.235T>C, p.Cys79Arg (NM_007123.6); short protein forms C79R.
Identifiers: ClinVar variation 2135010 (VCV002135010.5), dbSNP rs2527654698, ClinGen allele CA344904407.
Genomic context (GRCh38, chr1:216,422,102, plus strand): 5'-CAGTGTAGGTAGGGTGTGAAGATCTGTATGGGCAATCCTGAATACAAAACCGCTGGGTAC[A>G]GAACTGAATACTTTCAGCAGCAGCAGAGCTGTGACAAAAAGTGCTTCGGTCTGGGAGTCC-3'
Protein context (NP_996816.3, residues 69-89): SSAAAESIQF[Cys79Arg]TQRFCIQDCP